The following is an entry in ClinVar:

ClinVar aggregate classification (germline): Benign. Review status: criteria provided, multiple submitters, no conflicts (2 of 4 stars). 8 submissions from 8 submitters: Benign (7). 1 of the submissions does not count toward it. Last evaluated 2026-02-01.

Conditions:
STAT3 gain of function. Identifiers: MedGen C4288261.
Hyper-IgE recurrent infection syndrome 1, autosomal dominant. Also called: Job's Syndrome; STAT3 Hyper IgE Syndrome; JOB SYNDROME; HYPER-IgE SYNDROME 1, AUTOSOMAL DOMINANT, WITH RECURRENT INFECTIONS; Hyper-IgE recurrent infection syndrome 1. Identifiers: Orphanet 2314, MedGen C2936739, MONDO:0007818, OMIM 147060.

Allele frequency attached by ClinVar (database versions not stated): gnomAD exomes 0.00148 and 0.00677; ExAC 0.00425; gnomAD 0.00604 and 0.00612; 1000 Genomes Project 0.00719; 1000 Genomes Project 30x 0.00828; TOPMed 0.00891.
gnomAD v4.1: 3,111 of 1,614,066 alleles (0.19%); highest among the groups gnomAD compares: Admixed American, 4.9%; 106 homozygotes.

Submissions (8):

Labcorp Genetics (formerly Invitae), Labcorp
Classification: Benign for STAT3 gain of function; Hyper-IgE recurrent infection syndrome 1, autosomal dominant. Last evaluated: 2026-02-01. Review status: criteria provided, single submitter. Criteria: Invitae Variant Classification Sherloc (09022015). Collection method: clinical testing. Allele origin: germline.

ARUP Laboratories, Molecular Genetics and Genomics, ARUP Laboratories
Classification: Benign. Last evaluated: 2022-09-20. Review status: criteria provided, single submitter. Criteria: ARUP Molecular Germline Variant Investigation Process 2021. Collection method: clinical testing. Allele origin: germline.

Women's Health and Genetics/Laboratory Corporation of America, LabCorp
Classification: Benign. Last evaluated: 2019-10-25. Review status: criteria provided, single submitter. Criteria: LabCorp Variant Classification Summary - May 2015. Collection method: clinical testing. Allele origin: germline.
Comment: Variant summary: STAT3 c.1381G>C (p.Val461Leu) results in a conservative amino acid change located in the STAT transcription factor, DNA-binding domain (IPR013801) of the encoded protein sequence. Four of five in-silico tools predict a benign effect of the variant on protein function. The variant allele was found at a frequency of 0.0068 in 251112 control chromosomes, predominantly at a frequency of 0.048 within the Latino subpopulation in the gnomAD database, including 56 homozygotes. The observed variant frequency within Latino control individuals in the gnomAD database is approximately 22000-fold of the estimated maximal expected allele frequency for a pathogenic variant in STAT3 causing Hyper IgE Syndrome phenotype (2.2e-06), strongly suggesting that the variant is a benign polymorphism found primarily in populations of Latino origin. Co-occurrences with a pathogenic variant have been reported (STAT3 c.1909G>A, p.V637M; LCA and Sastalla_2017), providing supporting evidence for a benign role. Two ClinVar submitters (evaluation after 2014) cite the variant as benign/likely benign. Based on the evidence outlined above, the variant was classified as benign.

Laboratory for Molecular Medicine, Mass General Brigham Personalized Medicine
Classification: Benign. Last evaluated: 2019-10-18. Review status: criteria provided, single submitter. Criteria: LMM Criteria. Collection method: clinical testing. Allele origin: germline. Observed: 1 variant allele.
Comment: The p.Val461Leu variant in STAT3 is classified as benign because it has been identified in 4.7% (1680/35436) of Latino chromosomes by gnomAD. ACMG/AMP Criteria applied: BA1

Mayo Clinic Laboratories, Mayo Clinic
Classification: Benign. Last evaluated: 2018-08-08. Review status: criteria provided, single submitter. Criteria: ACMG Guidelines, 2015. Collection method: clinical testing. Allele origin: germline. Observed: 15 variant alleles.

Illumina Laboratory Services, Illumina
Classification: Benign for Hyper-IgE recurrent infection syndrome 1, autosomal dominant. Last evaluated: 2018-01-12. Review status: criteria provided, single submitter. Criteria: ICSL Variant Classification Criteria 13 December 2019. Collection method: clinical testing. Allele origin: germline.
Comment: This variant was observed in the ICSL laboratory as part of a predisposition screen in an ostensibly healthy population. It had not been previously curated by ICSL or reported in the Human Gene Mutation Database (HGMD: prior to June 1st, 2018), and was therefore a candidate for classification through an automated scoring system. Utilizing variant allele frequency, disease prevalence and penetrance estimates, and inheritance mode, an automated score was calculated to assess if this variant is too frequent to cause the disease. Based on the score and internal cut-off values, a variant classified as benign is not then subjected to further curation. The score for this variant resulted in a classification of benign for this disease.

Breakthrough Genomics
Classification: Benign. Review status: criteria provided, single submitter. Criteria: ACMG Guidelines, 2015. Collection method: not provided. Allele origin: germline. Inheritance: Autosomal dominant inheritance. Affected: yes.

Department of Pathology and Laboratory Medicine, Sinai Health System
Classification: Benign. Review status: no assertion criteria provided. Collection method: clinical testing. Allele origin: unknown. Affected: yes. Study: The Canadian Open Genetics Repository (COGR). Not counted in ClinVar's aggregate classification.
Comment: The STAT3 p.Val461Leu variant was identified in 4 of 6167 proband chromosomes (frequency: 0.000649) from individuals with suspected hematologic malignancies (Morgan_2017_PMID_29296824). The variant was identified in dbSNP (ID: rs149214040) and ClinVar (classified as likely benign by Illumina for Hyper IgE Syndrome, and as benign by Invitae and ARUP Laboratories). The variant was identified in control databases in 1712 of 268022 chromosomes (56 homozygous) at a frequency of 0.006388 increasing the likelihood this could be a low frequency benign variant (Genome Aggregation Database March 6, 2019, v2.1.1, non-cancer). The variant was observed in the following populations: Latino in 1663 of 35104 chromosomes (freq: 0.04737), Other in 42 of 6698 chromosomes (freq: 0.006271), African in 6 of 23606 chromosomes (freq: 0.000254) and European (non-Finnish) in 1 of 117896 chromosomes (freq: 0.000008), but was not observed in the Ashkenazi Jewish, East Asian, European (Finnish), or South Asian populations. The p.Val461 residue is conserved in mammals and computational analyses (PolyPhen-2, SIFT, AlignGVGD, BLOSUM, MutationTaster) provide inconsistent predictions regarding the impact to the protein; this information is not very predictive of pathogenicity. The variant occurs outside of the splicing consensus sequence and 4 of 4 in silico or computational prediction software programs (SpliceSiteFinder, MaxEntScan, NNSPLICE, GeneSplicer) predict a greater than 10% difference in splicing. However, this has not been confirmed by RNA analysis and is not predictive enough to assume pathogenicity. In summary, based on the above information this variant meets our laboratory's criteria to be classified as benign.

Literature cited by the submitters: PubMed 28587312 (cited by Women's Health and Genetics/Laboratory Corporation of America, LabCorp).

NM_139276.3(STAT3):c.1381G>C (p.Val461Leu)

Gene: STAT3 (signal transducer and activator of transcription 3; minus strand). Cytogenetic location: 17q21.2.
Variant type: single nucleotide variant.
Coding change: c.1381G>C on transcript NM_139276.3 (MANE Select); coding-DNA position 1381, G replaced by C.
Protein change: p.Val461Leu; replaces valine 461 with leucine.
Molecular consequence: missense variant.
Genome position (GRCh38, 1-based): chr17:42,325,046, C>G on the plus strand (G>C on the coding strand, the complement: STAT3 is on the minus strand). VCF-style: chr17-42325046-C-G. GRCh37 (hg19) VCF-style: chr17-40477064-C-G.
Other names: p.Val461Leu; c.1381G>C, p.Val461Leu (NM_001369512.1, NM_001369513.1, NM_001369514.1 and 11 more transcripts); c.1297G>C, p.Val433Leu (NM_001384984.1); c.1303G>C, p.Val435Leu (NM_001384985.1); c.1396G>C, p.Val466Leu (NM_001384986.1, NM_001384990.1); c.1285G>C, p.Val429Leu (NM_001384989.1); c.1321G>C, p.Val441Leu (NM_001384992.1); short protein forms V461L, V429L, V433L, V435L, V441L, V466L.
Identifiers: ClinVar variation 139328 (VCV000139328.34), dbSNP rs149214040, ClinGen allele CA293771.
Genomic context (GRCh38, chr17:42,325,046, plus strand): 5'-TGTACCACAGGATGGACGCCCAGGCATTTGGCATCTGACAGATGTTGGAGATCACCACAA[C>G]TGGCAAGGAGTGGGTCTGCGGAGGGAGTGGGGACTGAGCTGGGGAGGCAGAGGGGCTCTC-3'
Protein context (NP_644805.1, residues 451-471): KIDLETHSLP[Val461Leu]VVISNICQMP